The following is an entry in ClinVar:

NM_022336.4(EDAR):c.319A>G (p.Met107Val)

Genes: EDAR (ectodysplasin A receptor; minus strand), RANBP2 (RAN binding protein 2; plus strand). Cytogenetic location: 2q13.
Variant type: single nucleotide variant.
Coding change: c.319A>G on transcript NM_022336.4 (MANE Select); coding-DNA position 319, A replaced by G.
Protein change: p.Met107Val; replaces methionine 107 with valine.
Molecular consequence: missense variant.
Genome position (GRCh38, 1-based): chr2:108,929,235, T>C on the plus strand (A>G on the coding strand, the complement: EDAR is on the minus strand). VCF-style: chr2-108929235-T-C. GRCh37 (hg19) VCF-style: chr2-109545691-T-C.
Other names: short protein forms M107V.
Identifiers: ClinVar variation 261572 (VCV000261572.19), dbSNP rs61761321, ClinGen allele CA1825128.
Genomic context (GRCh38, chr2:108,929,235, plus strand): 5'-TTGCCAGGAGGGCCTGTGCTTACCCAGGGAGGCAAGGGCCACACTCAGCGTCATTCTCCA[T>C]GTCCCCTGGTGTCAGCACGGTGGCCCGGAAGAAGCCCTCACAGTCTTTGTGACGCCTGCA-3'
Protein context (NP_071731.1, residues 97-117): FRATVLTPGD[Met107Val]ENDAECGPCL

ClinVar aggregate classification (germline): Conflicting classifications of pathogenicity. Review status: criteria provided, conflicting classifications (1 of 4 stars). 6 submissions from 6 submitters: Uncertain significance (1); Benign (4). 1 of the submissions does not count toward it. Last evaluated 2026-01-15.

Conditions:
Ectodermal dysplasia 10A, hypohidrotic/hair/nail type, autosomal dominant (ECTD10A). Also called: Ectodermal Dysplasia 3, Anhidrotic. Identifiers: Orphanet 1810, Orphanet 238468, MedGen C3888065, MONDO:0007509, OMIM 129490.
Autosomal recessive hypohidrotic ectodermal dysplasia syndrome. Also called: Autosomal recessive hypohidrotic ectodermal dysplasia. Identifiers: Orphanet 248, MedGen C0406702, MONDO:0016619.
Hypohidrotic ectodermal dysplasia (HED). Identifiers: Orphanet 238468, MedGen C5848103, MONDO:0016535, HP:0007607.
Non-syndromic oligodontia.
Ectodermal dysplasia 10B, hypohidrotic/hair/tooth type, autosomal recessive. Also called: Ectodermal Dysplasia, Hypohidrotic, Autosomal Recessive; Ectodermal dysplasia 10B, hypohidrotic/hair/tooth type, autosomal. Identifiers: Orphanet 238468, Orphanet 248, MedGen C3887494, MONDO:0009147, OMIM 224900.

Allele frequency attached by ClinVar (database versions not stated): ExAC 0.00767; gnomAD exomes 0.00859 and 0.00239; 1000 Genomes Project 30x 0.01733; gnomAD 0.00398 and 0.00302; 1000 Genomes Project 0.01877; ESP Exome Variant Server 0.00031; TOPMed 0.00469.
gnomAD v4.1: 4,264 of 1,614,160 alleles (0.26%); highest among the groups gnomAD compares: East Asian, 8.4%; 208 homozygotes.

Submissions (6):

Labcorp Genetics (formerly Invitae), Labcorp
Classification: Benign for Ectodermal dysplasia 10A, hypohidrotic/hair/nail type, autosomal dominant; Autosomal recessive hypohidrotic ectodermal dysplasia syndrome. Last evaluated: 2026-01-15. Review status: criteria provided, single submitter. Criteria: Invitae Variant Classification Sherloc (09022015). Collection method: clinical testing. Allele origin: germline.

Department of Pathology and Laboratory Medicine, Sinai Health System
Classification: Uncertain significance for Ectodermal dysplasia 10A, hypohidrotic/hair/nail type, autosomal dominant; Ectodermal dysplasia 10B, hypohidrotic/hair/tooth type, autosomal recessive. Last evaluated: 2022-12-15. Review status: criteria provided, single submitter. Criteria: ACMG Guidelines, 2015. Collection method: research. Allele origin: germline.

Illumina Laboratory Services, Illumina
Classification: Benign for Hypohidrotic ectodermal dysplasia. Last evaluated: 2018-01-12. Review status: criteria provided, single submitter. Criteria: ICSL Variant Classification Criteria 13 December 2019. Collection method: clinical testing. Allele origin: germline.
Comment: This variant was observed in the ICSL laboratory as part of a predisposition screen in an ostensibly healthy population. It had not been previously curated by ICSL or reported in the Human Gene Mutation Database (HGMD: prior to June 1st, 2018), and was therefore a candidate for classification through an automated scoring system. Utilizing variant allele frequency, disease prevalence and penetrance estimates, and inheritance mode, an automated score was calculated to assess if this variant is too frequent to cause the disease. Based on the score and internal cut-off values, a variant classified as benign is not then subjected to further curation. The score for this variant resulted in a classification of benign for this disease.

GeneDx
Classification: Benign. Last evaluated: 2017-06-02. Review status: criteria provided, single submitter. Criteria: GeneDx Variant Classification (06012015). Collection method: clinical testing. Allele origin: germline. Affected: yes.
Comment: This variant is considered likely benign or benign based on one or more of the following criteria: it is a conservative change, it occurs at a poorly conserved position in the protein, it is predicted to be benign by multiple in silico algorithms, and/or has population frequency not consistent with disease.

PreventionGenetics, part of Exact Sciences
Classification: Benign. Review status: criteria provided, single submitter. Criteria: ACMG Guidelines, 2015. Collection method: clinical testing. Allele origin: germline.

Department of Prosthodontics, Peking University School and Hospital of Stomatology
Classification: Pathogenic for Non-syndromic oligodontia. Last evaluated: 2020-04-27. Review status: no assertion criteria provided. Collection method: clinical testing. Allele origin: inherited. Affected: yes. Not counted in ClinVar's aggregate classification.